The following is an entry in ClinVar:

ClinVar aggregate classification (germline): Likely pathogenic. Review status: criteria provided, single submitter (1 of 4 stars). 2 submissions from 2 submitters: Likely pathogenic (1). 1 of the submissions does not count toward it. Last evaluated 2021-12-22.

Conditions:
GRACILE syndrome (FLNMS). Also called: FELLMAN SYNDROME; FINNISH LETHAL NEONATAL METABOLIC SYNDROME. Identifiers: Orphanet 53693, MedGen C1864002, MONDO:0011308, OMIM 603358.

Allele frequency attached by ClinVar (database versions not stated): gnomAD exomes below 0.00001.
gnomAD v4.1: 2 of 1,614,004 alleles (0.00012%); highest among the groups gnomAD compares: Non-Finnish European, 0.00017%; no homozygotes.

Submissions (2):

Labcorp Genetics (formerly Invitae), Labcorp
Classification: Likely pathogenic. Last evaluated: 2021-12-22. Review status: criteria provided, single submitter. Criteria: Invitae Variant Classification Sherloc (09022015). Collection method: clinical testing. Allele origin: germline.
Comment: In summary, the currently available evidence indicates that the variant is pathogenic, but additional data are needed to prove that conclusively. Therefore, this variant has been classified as Likely Pathogenic. Algorithms developed to predict the effect of sequence changes on RNA splicing suggest that this variant may disrupt the consensus splice site. ClinVar contains an entry for this variant (Variation ID: 371035). This variant has not been reported in the literature in individuals affected with BCS1L-related conditions. This variant is present in population databases (no rsID available, gnomAD 0.0009%). This sequence change affects a donor splice site in intron 4 of the BCS1L gene. It is expected to disrupt RNA splicing. Variants that disrupt the donor or acceptor splice site typically lead to a loss of protein function (PMID: 16199547), and loss-of-function variants in BCS1L are known to be pathogenic (PMID: 12215968, 17314340, 19162478, 19508421, 22277166, 25895478).

Counsyl
Classification: Likely pathogenic for GRACILE syndrome. Last evaluated: 2016-06-13. Review status: no assertion criteria provided. Collection method: clinical testing. Allele origin: unknown. Not counted in ClinVar's aggregate classification.

Literature cited by the submitters: PubMed 16199547 (cited by Labcorp Genetics (formerly Invitae), Labcorp); PubMed 12215968 (cited by Labcorp Genetics (formerly Invitae), Labcorp); PubMed 17314340 (cited by Labcorp Genetics (formerly Invitae), Labcorp); PubMed 19162478 (cited by Labcorp Genetics (formerly Invitae), Labcorp); PubMed 19508421 (cited by Labcorp Genetics (formerly Invitae), Labcorp); PubMed 22277166 (cited by Labcorp Genetics (formerly Invitae), Labcorp); PubMed 25895478 (cited by Labcorp Genetics (formerly Invitae), Labcorp).

NM_001079866.2(BCS1L):c.460+2T>C

Gene: BCS1L (BCS1 ubiquinol-cytochrome c reductase complex chaperone; plus strand). Cytogenetic location: 2q35.
Variant type: single nucleotide variant.
Coding change: c.460+2T>C on transcript NM_001079866.2 (MANE Select); the canonical splice donor site of the intron after coding-DNA position 460, T replaced by C.
Molecular consequence: splice donor variant. On other transcripts: intron variant (6).
Genome position (GRCh38, 1-based): chr2:218,661,547, T>C. VCF-style: chr2-218661547-T-C. GRCh37 (hg19) VCF-style: chr2-219526270-T-C.
Other names: c.460+2T>C (NM_001371450.1, NM_001371448.1, NM_001320717.2 and 10 more transcripts); c.-42+27T>C (NM_001371454.1, NM_001371453.1, NM_001371456.1 and 2 more transcripts); c.100+2T>C (NM_001318836.2, NM_001371451.1); c.-41-212T>C (NM_001371452.1).
Identifiers: ClinVar variation 371035 (VCV000371035.8), dbSNP rs1057516954, ClinGen allele CA16040861.